The following is an entry in ClinVar:

ClinVar aggregate classification (germline): Benign (0 of 4 stars; one submission).

Conditions:
TBC1D31-related disorder. Also called: TBC1D31-related condition.

Allele frequency attached by ClinVar (database versions not stated): gnomAD 0.00555; TOPMed 0.00643; 1000 Genomes Project 0.00659; 1000 Genomes Project 30x 0.00703.
gnomAD v4.1: 836 of 152,288 alleles (0.55%); highest among the groups gnomAD compares: African/African-American, 1.9%; 9 homozygotes.

Submission:

PreventionGenetics, part of Exact Sciences
Classification: Benign for TBC1D31-related condition. Last evaluated: 2021-09-03. Review status: no assertion criteria provided. Collection method: clinical testing. Allele origin: germline.
Comment: This variant is classified as benign based on ACMG/AMP sequence variant interpretation guidelines (Richards et al. 2015 PMID: 25741868, with internal and published modifications).

NM_001363151.2(TBC1D31):c.2829C>T (p.His943=)

Gene: TBC1D31 (TBC1 domain family member 31; plus strand). Cytogenetic location: 8q24.13.
Variant type: single nucleotide variant.
Coding change: c.2829C>T on transcript NM_001363151.2; coding-DNA position 2829, C replaced by T.
Protein change: p.His943=; no amino-acid change (histidine 943 retained).
Molecular consequence: synonymous variant.
Genome position (GRCh38, 1-based): chr8:123,165,031, C>T. VCF-style: chr8-123165031-C-T. GRCh37 (hg19) VCF-style: chr8-124177271-C-T.
Identifiers: ClinVar variation 3032637 (VCV003032637.2), dbSNP rs114275459, ClinGen allele CA184517702.